The following is an entry in ClinVar:

ClinVar aggregate classification (germline): Likely benign (1 of 4 stars; one submission).

gnomAD v4.1: 7 of 1,614,170 alleles (0.00043%); highest among the groups gnomAD compares: South Asian, 0.0022%; no homozygotes.

Submission:

Mayo Clinic Laboratories, Mayo Clinic
Classification: Likely benign. Last evaluated: 2025-07-29. Review status: criteria provided, single submitter. Criteria: ACMG Guidelines, 2015. Collection method: clinical testing. Allele origin: germline. Observed: 1 variant allele.
Comment: BS1, BP4, BP7

NM_000093.5(COL5A1):c.5406C>T (p.Ile1802=)

Genes: COL5A1 (collagen type V alpha 1 chain; plus strand), LOC101448202 (uncharacterized LOC101448202; minus strand). Cytogenetic location: 9q34.3.
Variant type: single nucleotide variant.
Coding change: c.5406C>T on transcript NM_000093.5 (MANE Select); coding-DNA position 5406, C replaced by T.
Protein change: p.Ile1802=; no amino-acid change (isoleucine 1802 retained).
Molecular consequence: synonymous variant.
Genome position (GRCh38, 1-based): chr9:134,842,192, C>T. VCF-style: chr9-134842192-C-T. GRCh37 (hg19) VCF-style: chr9-137734038-C-T.
Other names: p.Ile1802=; c.5406C>T, p.Ile1802= (NM_001278074.1).
Identifiers: ClinVar variation 4683464 (VCV004683464.1).